The following is an entry in ClinVar:

ClinVar aggregate classification (germline): Uncertain significance. Review status: criteria provided, multiple submitters, no conflicts (2 of 4 stars). 2 submissions from 2 submitters: Uncertain significance (2). Last evaluated 2025-03-11.

Allele frequency attached by ClinVar (database versions not stated): gnomAD exomes 0.00001; TOPMed 0.00002; ExAC 0.00001.
gnomAD v4.1: 5 of 1,613,912 alleles (0.00031%); highest among the groups gnomAD compares: Admixed American, 0.0067%; no homozygotes.

Submissions (2):

Labcorp Genetics (formerly Invitae), Labcorp
Classification: Uncertain significance. Last evaluated: 2025-03-11. Review status: criteria provided, single submitter. Criteria: Invitae Variant Classification Sherloc (09022015). Collection method: clinical testing. Allele origin: germline.
Comment: This sequence change replaces methionine, which is neutral and non-polar, with valine, which is neutral and non-polar, at codon 412 of the CRAT protein (p.Met412Val). This variant is present in population databases (rs747189121, gnomAD 0.01%). This variant has not been reported in the literature in individuals affected with CRAT-related conditions. ClinVar contains an entry for this variant (Variation ID: 2973807). Invitae Evidence Modeling of protein sequence and biophysical properties (such as structural, functional, and spatial information, amino acid conservation, physicochemical variation, residue mobility, and thermodynamic stability) indicates that this missense variant is not expected to disrupt CRAT protein function with a negative predictive value of 80%. In summary, the available evidence is currently insufficient to determine the role of this variant in disease. Therefore, it has been classified as a Variant of Uncertain Significance.

Ambry Genetics
Classification: Uncertain significance. Last evaluated: 2024-01-09. Review status: criteria provided, single submitter. Criteria: Ambry Variant Classification Scheme 2023. Collection method: clinical testing. Allele origin: germline.

NM_000755.5(CRAT):c.1234A>G (p.Met412Val)

Gene: CRAT (carnitine O-acetyltransferase; minus strand). Cytogenetic location: 9q34.11.
Variant type: single nucleotide variant.
Coding change: c.1234A>G on transcript NM_000755.5 (MANE Select); coding-DNA position 1234, A replaced by G.
Protein change: p.Met412Val; replaces methionine 412 with valine.
Molecular consequence: missense variant.
Genome position (GRCh38, 1-based): chr9:129,098,343, T>C on the plus strand (A>G on the coding strand, the complement: CRAT is on the minus strand). VCF-style: chr9-129098343-T-C. GRCh37 (hg19) VCF-style: chr9-131860622-T-C.
Other names: c.1171A>G, p.Met391Val (NM_001257363.3, NM_001346548.2, NM_004003.4); c.1237A>G, p.Met413Val (NM_001346546.2); c.1234A>G, p.Met412Val (NM_001346547.2); c.1114A>G, p.Met372Val (NM_001346549.2); c.1234A>G (NM_000755.3); short protein forms M391V, M413V, M372V, M412V.
Identifiers: ClinVar variation 2973807 (VCV002973807.4), dbSNP rs747189121, ClinGen allele CA5275436.